The following is an entry in ClinVar:

ClinVar aggregate classification (germline): Benign. Review status: criteria provided, multiple submitters, no conflicts (2 of 4 stars). 2 submissions from 2 submitters: Benign (2). Last evaluated 2018-06-18.

Allele frequency attached by ClinVar (database versions not stated): gnomAD exomes 0.18669 and 0.22671; ESP Exome Variant Server 0.19240; gnomAD 0.20642 and 0.21268; TOPMed 0.21620; ExAC 0.22433; 1000 Genomes Project 30x 0.28779; 1000 Genomes Project 0.29193.
gnomAD v4.1: 305,295 of 1,611,412 alleles (19%); highest among the groups gnomAD compares: South Asian, 34%; 31,976 homozygotes.

Submissions (2):

GeneDx
Classification: Benign. Last evaluated: 2018-06-18. Review status: criteria provided, single submitter. Criteria: GeneDx Variant Classification (06012015). Collection method: clinical testing. Allele origin: germline. Affected: yes.
Comment: This variant is considered likely benign or benign based on one or more of the following criteria: it is a conservative change, it occurs at a poorly conserved position in the protein, it is predicted to be benign by multiple in silico algorithms, and/or has population frequency not consistent with disease.

Breakthrough Genomics
Classification: Benign. Review status: criteria provided, single submitter. Criteria: ACMG Guidelines, 2015. Collection method: not provided. Allele origin: germline. Inheritance: Autosomal recessive inheritance. Affected: yes.

NM_020778.5(ALPK3):c.3818-43G>A

Gene: ALPK3 (alpha kinase 3; plus strand). Cytogenetic location: 15q25.3.
Variant type: single nucleotide variant.
Coding change: c.3818-43G>A on transcript NM_020778.5 (MANE Select); 43 bases into the intron before coding-DNA position 3818, G replaced by A.
Molecular consequence: intron variant.
Genome position (GRCh38, 1-based): chr15:84,859,200, G>A. VCF-style: chr15-84859200-G-A. GRCh37 (hg19) VCF-style: chr15-85402431-G-A.
Identifiers: ClinVar variation 678477 (VCV000678477.2), dbSNP rs2289141, ClinGen allele CA7709729.